The following is an entry in ClinVar:

NM_015057.5(MYCBP2):c.3698T>G (p.Val1233Gly)

Gene: MYCBP2 (MYC binding protein 2; minus strand). Cytogenetic location: 13q22.3.
Variant type: single nucleotide variant.
Coding change: c.3698T>G on transcript NM_015057.5 (MANE Select); coding-DNA position 3698, T replaced by G.
Protein change: p.Val1233Gly; replaces valine 1233 with glycine.
Molecular consequence: missense variant.
Genome position (GRCh38, 1-based): chr13:77,205,490, A>C on the plus strand (T>G on the coding strand, the complement: MYCBP2 is on the minus strand). VCF-style: chr13-77205490-A-C. GRCh37 (hg19) VCF-style: chr13-77779625-A-C.
Other names: short protein forms V1233G.
Identifiers: ClinVar variation 3901300 (VCV003901300.1).

ClinVar aggregate classification (germline): Uncertain significance (1 of 4 stars; one submission).

Submission:

GeneDx
Classification: Uncertain significance. Last evaluated: 2024-12-03. Review status: criteria provided, single submitter. Criteria: GeneDx Variant Classification Process June 2021. Collection method: clinical testing. Allele origin: germline. Affected: yes.
Comment: Not observed at significant frequency in large population cohorts (gnomAD); In silico analysis supports that this missense variant has a deleterious effect on protein structure/function; Has not been previously published as pathogenic or benign to our knowledge